The following is an entry in ClinVar:

NM_006269.2(RP1):c.5221A>G (p.Ile1741Val)

Genes: RP1 (RP1 axonemal microtubule associated; plus strand), LOC126860392 (CDK7 strongly-dependent group 2 enhancer GRCh37_chr8:55541319-55542518; plus strand). Cytogenetic location: 8q12.1.
Variant type: single nucleotide variant.
Coding change: c.5221A>G on transcript NM_006269.2 (MANE Select); coding-DNA position 5221, A replaced by G.
Protein change: p.Ile1741Val; replaces isoleucine 1741 with valine.
Molecular consequence: missense variant. On other transcripts: intron variant (1).
Genome position (GRCh38, 1-based): chr8:54,629,103, A>G. VCF-style: chr8-54629103-A-G. GRCh37 (hg19) VCF-style: chr8-55541663-A-G.
Other names: c.787+6815A>G (NM_001375654.1); c.5221A>G (NM_006269.1); short protein forms I1741V.
Identifiers: ClinVar variation 3606833 (VCV003606833.4).

ClinVar aggregate classification (germline): Uncertain significance. Review status: criteria provided, multiple submitters, no conflicts (2 of 4 stars). 3 submissions from 3 submitters: Uncertain significance (3). Last evaluated 2025-04-18.

Conditions:
Inborn genetic diseases. Identifiers: MedGen C0950123, MeSH D030342.

gnomAD v4.1: 5 of 1,614,056 alleles (0.00031%); highest among the groups gnomAD compares: Admixed American, 0.0017%; no homozygotes.

Submissions (3):

Ambry Genetics
Classification: Uncertain significance for Inborn genetic diseases. Last evaluated: 2025-04-18. Review status: criteria provided, single submitter. Criteria: Ambry Variant Classification Scheme 2023. Collection method: clinical testing. Allele origin: germline.

Labcorp Genetics (formerly Invitae), Labcorp
Classification: Uncertain significance. Last evaluated: 2024-05-29. Review status: criteria provided, single submitter. Criteria: Invitae Variant Classification Sherloc (09022015). Collection method: clinical testing. Allele origin: germline.
Comment: This sequence change replaces isoleucine, which is neutral and non-polar, with valine, which is neutral and non-polar, at codon 1741 of the RP1 protein (p.Ile1741Val). This variant is not present in population databases (gnomAD no frequency). This variant has not been reported in the literature in individuals affected with RP1-related conditions. An algorithm developed to predict the effect of missense changes on protein structure and function (PolyPhen-2) suggests that this variant is likely to be disruptive. In summary, the available evidence is currently insufficient to determine the role of this variant in disease. Therefore, it has been classified as a Variant of Uncertain Significance.

Blueprint Genetics
Classification: Uncertain significance. Last evaluated: 2023-06-14. Review status: criteria provided, single submitter. Criteria: ACMG Guidelines, 2015. Collection method: clinical testing. Allele origin: germline.